The following is an entry in ClinVar:

ClinVar aggregate classification (germline): Pathogenic (1 of 4 stars; one submission).

Conditions:
Alstrom syndrome (ALMS). Identifiers: Orphanet 64, MedGen C0268425, MONDO:0008763, OMIM 203800.

Submission:

Labcorp Genetics (formerly Invitae), Labcorp
Classification: Pathogenic for Alstrom syndrome. Last evaluated: 2025-06-03. Review status: criteria provided, single submitter. Criteria: Invitae Variant Classification Sherloc (09022015). Collection method: clinical testing. Allele origin: germline.
Comment: This sequence change creates a premature translational stop signal (p.Leu3265Phefs*6) in the ALMS1 gene. It is expected to result in an absent or disrupted protein product. Loss-of-function variants in ALMS1 are known to be pathogenic (PMID: 17594715). This variant is not present in population databases (gnomAD no frequency). This variant has not been reported in the literature in individuals affected with ALMS1-related conditions. For these reasons, this variant has been classified as Pathogenic.

Literature cited by the submitters: PubMed 17594715.

NM_001378454.1(ALMS1):c.9791dup (p.Leu3264fs)

Gene: ALMS1 (ALMS1 centrosome and basal body associated protein; plus strand). Cytogenetic location: 2p13.1.
Variant type: Duplication.
Coding change: c.9791dup on transcript NM_001378454.1 (MANE Select); coding-DNA position 9791, one base duplicated (T; older notation c.9791dupT).
Protein change: p.Leu3264fs; shifts the reading frame from leucine 3264.
Molecular consequence: frameshift variant.
Genome position (GRCh38, 1-based): chr2:73,534,833, T duplicated; the last of 3 consecutive T bases (chr2:73,534,831-73,534,833); duplicating any one gives the same sequence. VCF-style (leftmost placement, unchanged base first): chr2-73534830-C-CT. GRCh37 (hg19) VCF-style: chr2-73761957-C-CT.
Other names: c.9794dup, p.Leu3265fs (NM_015120.4); short protein forms L3265fs, L3264fs.
Identifiers: ClinVar variation 4774629 (VCV004774629.1).